The following is an entry in ClinVar:

NM_001253697.2(ERBIN):c.2312T>C (p.Ile771Thr)

Gene: ERBIN (erbb2 interacting protein; plus strand). Cytogenetic location: 5q12.3.
Variant type: single nucleotide variant.
Coding change: c.2312T>C on transcript NM_001253697.2 (MANE Select); coding-DNA position 2312, T replaced by C.
Protein change: p.Ile771Thr; replaces isoleucine 771 with threonine.
Molecular consequence: missense variant.
Genome position (GRCh38, 1-based): chr5:66,053,630, T>C. VCF-style: chr5-66053630-T-C. GRCh37 (hg19) VCF-style: chr5-65349458-T-C.
Other names: c.2312T>C, p.Ile771Thr (NM_001006600.3, NM_001253698.2, NM_001253699.2 and 1 more transcripts); c.2300T>C, p.Ile767Thr (NM_001253701.2); short protein forms I771T, I767T.
Identifiers: ClinVar variation 4779458 (VCV004779458.1).
Genomic context (GRCh38, chr5:66,053,630, plus strand): 5'-CAGCCACAGCTGATGACACTCACAAATTAGATCATATCAATATGAATCTTAATAAACTTA[T>C]AACTAATGATACATTTCAACCAGAGATCATGGAAAGATCAAAAACACAGGATATTGTGCT-3'
Protein context (NP_001240626.1, residues 761-781): DHINMNLNKL[Ile771Thr]TNDTFQPEIM

ClinVar aggregate classification (germline): Uncertain significance (1 of 4 stars; one submission).

gnomAD v4.1: 7 of 1,612,096 alleles (0.00043%); highest among the groups gnomAD compares: East Asian, 0.0022%; no homozygotes.

Submission:

Labcorp Genetics (formerly Invitae), Labcorp
Classification: Uncertain significance. Last evaluated: 2025-05-28. Review status: criteria provided, single submitter. Criteria: Invitae Variant Classification Sherloc (09022015). Collection method: clinical testing. Allele origin: germline.
Comment: This sequence change replaces isoleucine, which is neutral and non-polar, with threonine, which is neutral and polar, at codon 771 of the ERBIN protein (p.Ile771Thr). This variant is not present in population databases (gnomAD no frequency). This variant has not been reported in the literature in individuals affected with ERBIN-related conditions. An algorithm developed to predict the effect of missense changes on protein structure and function outputs the following: PolyPhen-2: "Benign". The threonine amino acid residue is found in multiple mammalian species, which suggests that this missense change does not adversely affect protein function. In summary, the available evidence is currently insufficient to determine the role of this variant in disease. Therefore, it has been classified as a Variant of Uncertain Significance.